The following is an entry in ClinVar:

ClinVar aggregate classification (germline): Uncertain significance. Review status: criteria provided, multiple submitters, no conflicts (2 of 4 stars). 2 submissions from 2 submitters: Uncertain significance (2). Last evaluated 2025-02-21.

Conditions:
Inborn genetic diseases. Identifiers: MedGen C0950123, MeSH D030342.

Allele frequency attached by ClinVar (database versions not stated): TOPMed 0.00003; ExAC 0.00001; gnomAD exomes 0.00001; gnomAD 0.00003.
gnomAD v4.1: 12 of 1,609,010 alleles (0.00075%); highest among the groups gnomAD compares: African/African-American, 0.012%; no homozygotes.

Submissions (2):

GeneDx
Classification: Uncertain significance. Last evaluated: 2025-02-21. Review status: criteria provided, single submitter. Criteria: GeneDx Variant Classification Process June 2021. Collection method: clinical testing. Allele origin: germline. Affected: yes.
Comment: In silico analysis indicates that this missense variant does not alter protein structure/function; Has not been previously published as pathogenic or benign to our knowledge

Ambry Genetics
Classification: Uncertain significance for Inborn genetic diseases. Last evaluated: 2021-12-14. Review status: criteria provided, single submitter. Criteria: Ambry Variant Classification Scheme 2023. Collection method: clinical testing. Allele origin: germline.

NM_001371623.1(TCOF1):c.1268C>T (p.Ala423Val)

Gene: TCOF1 (treacle ribosome biogenesis factor 1; plus strand). Cytogenetic location: 5q32.
Variant type: single nucleotide variant.
Coding change: c.1268C>T on transcript NM_001371623.1 (MANE Select); coding-DNA position 1268, C replaced by T.
Protein change: p.Ala423Val; replaces alanine 423 with valine.
Molecular consequence: missense variant.
Genome position (GRCh38, 1-based): chr5:150,374,801, C>T. VCF-style: chr5-150374801-C-T. GRCh37 (hg19) VCF-style: chr5-149754364-C-T.
Other names: c.1037C>T, p.Ala346Val (NM_000356.4, NM_001135245.2); c.1268C>T, p.Ala423Val (NM_001008657.3, NM_001135243.2, NM_001135244.2 and 1 more transcripts); short protein forms A423V, A346V.
Identifiers: ClinVar variation 2267289 (VCV002267289.3), dbSNP rs765637297, ClinGen allele CA3510803.